The following is an entry in ClinVar:

ClinVar aggregate classification (germline): Benign (1 of 4 stars; one submission).

Allele frequency attached by ClinVar (database versions not stated): TOPMed 0.21407; gnomAD 0.21787 and 0.22588; 1000 Genomes Project 30x 0.29763; 1000 Genomes Project 0.30611.
gnomAD v4.1: 34,325 of 152,186 alleles (23%); highest among the groups gnomAD compares: South Asian, 42%; 4,304 homozygotes.

Submission:

GeneDx
Classification: Benign. Last evaluated: 2018-06-16. Review status: criteria provided, single submitter. Criteria: GeneDx Variant Classification (06012015). Collection method: clinical testing. Allele origin: germline. Affected: yes.
Comment: This variant is considered likely benign or benign based on one or more of the following criteria: it is a conservative change, it occurs at a poorly conserved position in the protein, it is predicted to be benign by multiple in silico algorithms, and/or has population frequency not consistent with disease.

NM_001105206.3(LAMA4):c.3111-155C>T

Gene: LAMA4 (laminin subunit alpha 4; minus strand). Cytogenetic location: 6q21.
Variant type: single nucleotide variant.
Coding change: c.3111-155C>T on transcript NM_001105206.3 (MANE Select); 155 bases into the intron before coding-DNA position 3111, C replaced by T.
Molecular consequence: intron variant.
Genome position (GRCh38, 1-based): chr6:112,139,446, G>A on the plus strand (C>T on the coding strand, the complement: LAMA4 is on the minus strand). VCF-style: chr6-112139446-G-A. GRCh37 (hg19) VCF-style: chr6-112460648-G-A.
Other names: c.3090-155C>T (NM_002290.5, NM_001105207.3).
Identifiers: ClinVar variation 672706 (VCV000672706.1), dbSNP rs2072020, ClinGen allele CA144893679.